The following is an entry in ClinVar:

NM_001042492.3(NF1):c.3579T>C (p.Phe1193=)

Gene: NF1 (neurofibromin 1; plus strand). Cytogenetic location: 17q11.2.
Variant type: single nucleotide variant.
Coding change: c.3579T>C on transcript NM_001042492.3 (MANE Select); coding-DNA position 3579, T replaced by C.
Protein change: p.Phe1193=; no amino-acid change (phenylalanine 1193 retained).
Molecular consequence: synonymous variant.
Genome position (GRCh38, 1-based): chr17:31,233,084, T>C. VCF-style: chr17-31233084-T-C. GRCh37 (hg19) VCF-style: chr17-29560102-T-C.
Other names: c.3579T>C, p.Phe1193= (NM_000267.4).
Identifiers: ClinVar variation 1732855 (VCV001732855.3), dbSNP rs2067142728, ClinGen allele CA499444028.

ClinVar aggregate classification (germline): Benign/Likely benign. Review status: criteria provided, multiple submitters, no conflicts (2 of 4 stars). 2 submissions from 2 submitters: Benign (1); Likely benign (1). Last evaluated 2026-09-29.

Conditions:
Neurofibromatosis, type 1 (NF1). Also called: VON RECKLINGHAUSEN DISEASE; Peripheral type neurofibromatosis; NEUROFIBROMATOSIS, TYPE I, SOMATIC; Neurofibromatosis, type I. Identifiers: Orphanet 636, MedGen C0027831, MONDO:0018975, OMIM 162200. Disease mechanism: loss of function.
Cardiovascular phenotype. Identifiers: MedGen CN230736.
Hereditary cancer-predisposing syndrome. Also called: Hereditary neoplastic syndrome; Neoplastic Syndromes, Hereditary; Tumor predisposition; Hereditary Cancer Syndrome. Identifiers: Orphanet 140162, MedGen C0027672, MeSH D009386, MONDO:0015356.

Submissions (2):

Myriad Genetics, Inc.
Classification: Benign for Neurofibromatosis, type 1. Last evaluated: 2026-09-29. Review status: criteria provided, single submitter. Criteria: Myriad Autosomal Dominant, Autosomal Recessive and X-Linked Classification Criteria (2023). Collection method: clinical testing. Allele origin: unknown.
Comment: This variant is considered benign. This variant is a silent/synonymous amino acid change and it is not expected to impact splicing.

Ambry Genetics
Classification: Likely benign for Cardiovascular phenotype; Hereditary cancer-predisposing syndrome. Last evaluated: 2022-02-12. Review status: criteria provided, single submitter. Criteria: Ambry Variant Classification Scheme 2023. Collection method: clinical testing. Allele origin: germline.